The following is an entry in ClinVar:

ClinVar aggregate classification (germline): Pathogenic (1 of 4 stars; one submission).

Conditions:
Hereditary spastic paraplegia 11. Also called: Spastic Paraplegia 11; Spastic paraplegia, mental retardation and thin corpus callosum; Autosomal recessive hereditary spastic paraplegia, mental impairment, and thin corpus callosum; Nakamura Osame syndrome; SPASTIC PARAPLEGIA, AUTOSOMAL RECESSIVE, COMPLICATED, WITH THIN CORPUS CALLOSUM; SPASTIC PARAPLEGIA, AUTOSOMAL RECESSIVE, WITH MENTAL IMPAIRMENT AND THIN CORPUS CALLOSUM. Identifiers: Orphanet 2822, MedGen C1858479, MONDO:0011445, OMIM 604360.

gnomAD v4.1: 1 of 1,614,070 alleles (0.000062%); highest among the groups gnomAD compares: African/African-American, 0.0013%; no homozygotes.

Submission:

Labcorp Genetics (formerly Invitae), Labcorp
Classification: Pathogenic for Hereditary spastic paraplegia 11. Last evaluated: 2023-06-23. Review status: criteria provided, single submitter. Criteria: Invitae Variant Classification Sherloc (09022015). Collection method: clinical testing. Allele origin: germline.
Comment: This sequence change creates a premature translational stop signal (p.Leu2095*) in the SPG11 gene. It is expected to result in an absent or disrupted protein product. Loss-of-function variants in SPG11 are known to be pathogenic (PMID: 19105190, 20110243, 22154821, 26556829). This variant is not present in population databases (gnomAD no frequency). This variant has not been reported in the literature in individuals affected with SPG11-related conditions. Algorithms developed to predict the effect of sequence changes on RNA splicing suggest that this variant may disrupt the consensus splice site. For these reasons, this variant has been classified as Pathogenic.

Literature cited by the submitters: PubMed 19105190; PubMed 20110243; PubMed 22154821; PubMed 26556829.

NM_025137.4(SPG11):c.6284T>A (p.Leu2095Ter)

Gene: SPG11 (SPG11 vesicle trafficking associated, spatacsin; minus strand). Cytogenetic location: 15q21.1.
Variant type: single nucleotide variant.
Coding change: c.6284T>A on transcript NM_025137.4 (MANE Select); coding-DNA position 6284, T replaced by A.
Protein change: p.Leu2095Ter; replaces leucine 2095 with a stop codon.
Molecular consequence: nonsense.
Genome position (GRCh38, 1-based): chr15:44,572,742, A>T on the plus strand (T>A on the coding strand, the complement: SPG11 is on the minus strand). VCF-style: chr15-44572742-A-T. GRCh37 (hg19) VCF-style: chr15-44864940-A-T.
Other names: c.5945T>A, p.Leu1982Ter (NM_001160227.2); c.6140T>A, p.Leu2047Ter (NM_001411132.1); short protein forms L2047*, L2095*, L1982*.
Identifiers: ClinVar variation 2723969 (VCV002723969.3), dbSNP rs185665930, ClinGen allele CA392217293.